The following is an entry in ClinVar:

NM_007175.8(ERLIN2):c.424+957C>T

Gene: ERLIN2 (ER lipid raft associated 2; plus strand). Cytogenetic location: 8p11.23.
Variant type: single nucleotide variant.
Coding change: c.424+957C>T on transcript NM_007175.8 (MANE Select); 957 bases into the intron after coding-DNA position 424, C replaced by T.
Molecular consequence: intron variant. On other transcripts: 3 prime UTR variant (3).
Genome position (GRCh38, 1-based): chr8:37,745,653, C>T. VCF-style: chr8-37745653-C-T. GRCh37 (hg19) VCF-style: chr8-37603171-C-T.
Other names: c.*50C>T (NM_001003790.4, NM_001003791.3, NM_001362880.2); c.424+957C>T (NM_001362878.2).
Identifiers: ClinVar variation 4293926 (VCV004293926.1).

ClinVar aggregate classification (germline): Uncertain significance (1 of 4 stars; one submission).

Conditions:
Spastic paraplegia 18a, autosomal dominant. Identifiers: MedGen C5882694, MONDO:0957788, OMIM 620512.

Submission:

3billion
Classification: Uncertain significance for Spastic paraplegia 18a, autosomal dominant. Last evaluated: 2025-02-12. Review status: criteria provided, single submitter. Criteria: ACMG Guidelines, 2015. Collection method: clinical testing. Allele origin: germline. Affected: yes.
Comment: The variant is not observed in the gnomAD v4.1.0 dataset. Predicted Consequence/Location: Intron variant Prediction of the variant to alter splicing and produce an abnormal transcript by in silico tools is uncertain [SpliceAI: 0.10 (spliceogenicity >=0.2, non-spliceogenicity <0.1)]. Therefore, this variant is classified as VUS according to the recommendation of ACMG/AMP guideline.